The following is an entry in ClinVar:

ClinVar aggregate classification (germline): Uncertain significance. Review status: criteria provided, multiple submitters, no conflicts (2 of 4 stars). 2 submissions from 2 submitters: Uncertain significance (2). Last evaluated 2023-10-23.

Conditions:
Desmin-related myofibrillar myopathy (MFM1). Also called: MYOFIBRILLAR MYOPATHY WITH ARRHYTHMOGENIC RIGHT VENTRICULAR CARDIOMYOPATHY; Desmin related myopathy (former name); Desmin storage myopathy (former name); Desminopathy; DESMIN-RELATED MYOPATHY WITH ARRHYTHMOGENIC RIGHT VENTRICULAR CARDIOMYOPATHY; Myofibrillar myopathy 1. Identifiers: Orphanet 363543, Orphanet 98909, MedGen C1832370, MONDO:0011076, OMIM 601419.

Allele frequency attached by ClinVar (database versions not stated): gnomAD exomes below 0.00001; TOPMed below 0.00001; gnomAD 0.00001.
gnomAD v4.1: 4 of 1,546,662 alleles (0.00026%); highest among the groups gnomAD compares: Non-Finnish European, 0.00035%; no homozygotes.

Submissions (2):

Labcorp Genetics (formerly Invitae), Labcorp
Classification: Uncertain significance for Desmin-related myofibrillar myopathy. Last evaluated: 2023-10-23. Review status: criteria provided, single submitter. Criteria: Invitae Variant Classification Sherloc (09022015). Collection method: clinical testing. Allele origin: germline.
Comment: This sequence change replaces asparagine, which is neutral and polar, with threonine, which is neutral and polar, at codon 182 of the DES protein (p.Asn182Thr). This variant is present in population databases (no rsID available, gnomAD 0.007%). This variant has not been reported in the literature in individuals affected with DES-related conditions. ClinVar contains an entry for this variant (Variation ID: 809164). Advanced modeling of protein sequence and biophysical properties (such as structural, functional, and spatial information, amino acid conservation, physicochemical variation, residue mobility, and thermodynamic stability) has been performed at Invitae for this missense variant, however the output from this modeling did not meet the statistical confidence thresholds required to predict the impact of this variant on DES protein function. In summary, the available evidence is currently insufficient to determine the role of this variant in disease. Therefore, it has been classified as a Variant of Uncertain Significance.

CeGaT Center for Human Genetics Tuebingen
Classification: Uncertain significance. Last evaluated: 2016-10-01. Review status: criteria provided, single submitter. Criteria: CeGaT Center For Human Genetics Tuebingen Variant Classification Criteria Version 2. Collection method: clinical testing. Allele origin: germline. Affected: yes. Observed: 1 variant allele.

NM_001927.4(DES):c.545A>C (p.Asn182Thr)

Gene: DES (desmin; plus strand). Cytogenetic location: 2q35.
Variant type: single nucleotide variant.
Coding change: c.545A>C on transcript NM_001927.4 (MANE Select); coding-DNA position 545, A replaced by C.
Protein change: p.Asn182Thr; replaces asparagine 182 with threonine.
Molecular consequence: missense variant.
Genome position (GRCh38, 1-based): chr2:219,419,007, A>C. VCF-style: chr2-219419007-A-C. GRCh37 (hg19) VCF-style: chr2-220283729-A-C.
Other names: short protein forms N182T.
Identifiers: ClinVar variation 809164 (VCV000809164.44), dbSNP rs1358211194, ClinGen allele CA350687038.